The following is an entry in ClinVar:

NM_000111.3(SLC26A3):c.685A>T (p.Ile229Phe)

Gene: SLC26A3 (solute carrier family 26 member 3; minus strand). Cytogenetic location: 7q22.3.
Variant type: single nucleotide variant.
Coding change: c.685A>T on transcript NM_000111.3 (MANE Select); coding-DNA position 685, A replaced by T.
Protein change: p.Ile229Phe; replaces isoleucine 229 with phenylalanine.
Molecular consequence: missense variant.
Genome position (GRCh38, 1-based): chr7:107,789,574, T>A on the plus strand (A>T on the coding strand, the complement: SLC26A3 is on the minus strand). VCF-style: chr7-107789574-T-A. GRCh37 (hg19) VCF-style: chr7-107430019-T-A.
Other names: short protein forms I229F.
Identifiers: ClinVar variation 1403210 (VCV001403210.6), dbSNP rs762953026, ClinGen allele CA4434061.
Genomic context (GRCh38, chr7:107,789,574, plus strand): 5'-AAATACTTACTTTGAAAATTGAAACTGGATCAGTGTGTGACGGGACTGTCAACTGAAAAA[T>A]GAATTTGAGTTGGGAAACCAAAACATGAACAGCAGCAGCAGTAGTGAAGCCACTGATGAG-3'
Protein context (NP_000102.1, residues 219-239): VHVLVSQLKF[Ile229Phe]FQLTVPSHTD

ClinVar aggregate classification (germline): Uncertain significance (1 of 4 stars; one submission).

Allele frequency attached by ClinVar (database versions not stated): ExAC 0.00002.
gnomAD v4.1: 13 of 1,613,998 alleles (0.00081%); highest among the groups gnomAD compares: South Asian, 0.014%; no homozygotes.

Submission:

Labcorp Genetics (formerly Invitae), Labcorp
Classification: Uncertain significance. Last evaluated: 2023-05-23. Review status: criteria provided, single submitter. Criteria: Invitae Variant Classification Sherloc (09022015). Collection method: clinical testing. Allele origin: germline.
Comment: This sequence change replaces isoleucine, which is neutral and non-polar, with phenylalanine, which is neutral and non-polar, at codon 229 of the SLC26A3 protein (p.Ile229Phe). This variant is present in population databases (rs762953026, gnomAD 0.006%). This variant has not been reported in the literature in individuals affected with SLC26A3-related conditions. ClinVar contains an entry for this variant (Variation ID: 1403210). Advanced modeling of protein sequence and biophysical properties (such as structural, functional, and spatial information, amino acid conservation, physicochemical variation, residue mobility, and thermodynamic stability) performed at Invitae indicates that this missense variant is not expected to disrupt SLC26A3 protein function. In summary, the available evidence is currently insufficient to determine the role of this variant in disease. Therefore, it has been classified as a Variant of Uncertain Significance.